The following is an entry in ClinVar:

NM_001379500.1(COL18A1):c.2117C>G (p.Pro706Arg)

Gene: COL18A1 (collagen type XVIII alpha 1 chain; plus strand). Cytogenetic location: 21q22.3.
Variant type: single nucleotide variant.
Coding change: c.2117C>G on transcript NM_001379500.1 (MANE Select); coding-DNA position 2117, C replaced by G.
Protein change: p.Pro706Arg; replaces proline 706 with arginine.
Molecular consequence: missense variant.
Genome position (GRCh38, 1-based): chr21:45,491,274, C>G. VCF-style: chr21-45491274-C-G. GRCh37 (hg19) VCF-style: chr21-46911188-C-G.
Other names: NM_130445.2:c.2117C>G; c.2657C>G, p.Pro886Arg (NM_030582.4); c.3362C>G, p.Pro1121Arg (NM_130444.3); short protein forms P886R, P1121R.
Identifiers: ClinVar variation 261898 (VCV000261898.23), dbSNP rs79980197, ClinGen allele CA10066812.

ClinVar aggregate classification (germline): Benign/Likely benign. Review status: criteria provided, multiple submitters, no conflicts (2 of 4 stars). 10 submissions from 9 submitters: Benign (8); Likely benign (2). Last evaluated 2026-02-03.

Conditions:
Hereditary glaucoma, primary closed-angle. Also called: Glaucoma, primary closed-angle. Identifiers: MedGen C5394374, MONDO:0030038, OMIM 618880.
Knobloch syndrome (KNO). Also called: RETINAL DETACHMENT AND OCCIPITAL ENCEPHALOCELE; Myopia retinal detachment encephalocele. Identifiers: Orphanet 1571, MedGen C1849409, MONDO:0800166.

Allele frequency attached by ClinVar (database versions not stated): ESP Exome Variant Server 0.05981; TOPMed 0.06151; 1000 Genomes Project 30x 0.06871; 1000 Genomes Project 0.06889; gnomAD 0.07777.
gnomAD v4.1: 126,994 of 1,612,096 alleles (7.9%); highest among the groups gnomAD compares: South Asian, 12%; 5,643 homozygotes.

Submissions (10):

Labcorp Genetics (formerly Invitae), Labcorp
Classification: Benign. Last evaluated: 2026-02-03. Review status: criteria provided, single submitter. Criteria: Invitae Variant Classification Sherloc (09022015). Collection method: clinical testing. Allele origin: germline.

Blueprint Genetics
Classification: Benign. Last evaluated: 2024-11-28. Review status: criteria provided, single submitter. Criteria: ACMG Guidelines, 2015. Collection method: clinical testing. Allele origin: germline.

Genome-Nilou Lab
Classification: Benign for Knobloch syndrome 1. Last evaluated: 2021-07-22. Review status: criteria provided, single submitter. Criteria: ACMG Guidelines, 2015. Collection method: clinical testing. Allele origin: germline. Affected: no.

Genome-Nilou Lab
Classification: Benign for Hereditary glaucoma, primary closed-angle. Last evaluated: 2021-07-22. Review status: criteria provided, single submitter. Criteria: ACMG Guidelines, 2015. Collection method: clinical testing. Allele origin: germline. Affected: no.

GeneDx
Classification: Benign. Last evaluated: 2021-05-04. Review status: criteria provided, single submitter. Criteria: GeneDx Variant Classification Process June 2021. Collection method: clinical testing. Allele origin: germline. Affected: yes.

Mendelics
Classification: Benign for Knobloch syndrome 1. Last evaluated: 2019-05-28. Review status: criteria provided, single submitter. Criteria: Mendelics Assertion Criteria 2017. Collection method: clinical testing. Allele origin: unknown.

Athena Diagnostics
Classification: Benign. Last evaluated: 2018-05-07. Review status: criteria provided, single submitter. Criteria: Athena Diagnostics Criteria. Collection method: clinical testing. Allele origin: germline.

Illumina Laboratory Services, Illumina
Classification: Benign for Knobloch syndrome 1. Last evaluated: 2018-01-12. Review status: criteria provided, single submitter. Criteria: ICSL Variant Classification Criteria 13 December 2019. Collection method: clinical testing. Allele origin: germline.
Comment: This variant was observed in the ICSL laboratory as part of a predisposition screen in an ostensibly healthy population. It had not been previously curated by ICSL or reported in the Human Gene Mutation Database (HGMD: prior to June 1st, 2018), and was therefore a candidate for classification through an automated scoring system. Utilizing variant allele frequency, disease prevalence and penetrance estimates, and inheritance mode, an automated score was calculated to assess if this variant is too frequent to cause the disease. Based on the score and internal cut-off values, a variant classified as benign is not then subjected to further curation. The score for this variant resulted in a classification of benign for this disease.

Breakthrough Genomics
Classification: Likely benign. Review status: criteria provided, single submitter. Criteria: ACMG Guidelines, 2015. Collection method: not provided. Allele origin: germline. Inheritance: Autosomal recessive inheritance. Affected: yes.

PreventionGenetics, part of Exact Sciences
Classification: Likely benign. Review status: criteria provided, single submitter. Criteria: ACMG Guidelines, 2015. Collection method: clinical testing. Allele origin: germline.